The following is an entry in ClinVar:

ClinVar aggregate classification (germline): Uncertain significance. Review status: criteria provided, multiple submitters, no conflicts (2 of 4 stars). 2 submissions from 2 submitters: Uncertain significance (2). Last evaluated 2023-03-29.

Conditions:
Inborn genetic diseases. Identifiers: MedGen C0950123, MeSH D030342.
Charcot-Marie-Tooth disease axonal type 2C (HMSN2C). Also called: CHARCOT-MARIE-TOOTH DISEASE, AXONAL, AUTOSOMAL DOMINANT, TYPE 2C; Charcot-Marie-Tooth Neuropathy Type 2C; Charcot-Marie-Tooth Disease Type 2, TRPV4-Related (CMT2C). Identifiers: Orphanet 99937, MedGen C1853710, MONDO:0011633, OMIM 606071.

Allele frequency attached by ClinVar (database versions not stated): gnomAD 0.00001; gnomAD exomes 0.00001 and 0.00002; ExAC 0.00002; TOPMed below 0.00001.
gnomAD v4.1: 11 of 1,614,000 alleles (0.00068%); highest among the groups gnomAD compares: Admixed American, 0.0033%; no homozygotes.

Submissions (2):

Labcorp Genetics (formerly Invitae), Labcorp
Classification: Uncertain significance for Charcot-Marie-Tooth disease axonal type 2C. Last evaluated: 2023-03-29. Review status: criteria provided, single submitter. Criteria: Invitae Variant Classification Sherloc (09022015). Collection method: clinical testing. Allele origin: germline.
Comment: In summary, the available evidence is currently insufficient to determine the role of this variant in disease. Therefore, it has been classified as a Variant of Uncertain Significance. Advanced modeling of protein sequence and biophysical properties (such as structural, functional, and spatial information, amino acid conservation, physicochemical variation, residue mobility, and thermodynamic stability) performed at Invitae indicates that this missense variant is not expected to disrupt TRPV4 protein function. ClinVar contains an entry for this variant (Variation ID: 536861). This variant has not been reported in the literature in individuals affected with TRPV4-related conditions. This variant is present in population databases (rs768721947, gnomAD 0.009%). This sequence change replaces glycine, which is neutral and non-polar, with serine, which is neutral and polar, at codon 111 of the TRPV4 protein (p.Gly111Ser).

Ambry Genetics
Classification: Uncertain significance for Inborn genetic diseases. Last evaluated: 2022-05-21. Review status: criteria provided, single submitter. Criteria: Ambry Variant Classification Scheme 2023. Collection method: clinical testing. Allele origin: germline.
Comment: The p.G111S variant (also known as c.331G>A), located in coding exon 1 of the TRPV4 gene, results from a G to A substitution at nucleotide position 331. The glycine at codon 111 is replaced by serine, an amino acid with similar properties. This amino acid position is conserved. In addition, the in silico prediction for this alteration is inconclusive. Since supporting evidence is limited at this time, the clinical significance of this alteration remains unclear.

NM_021625.5(TRPV4):c.331G>A (p.Gly111Ser)

Gene: TRPV4 (transient receptor potential cation channel subfamily V member 4; minus strand). Cytogenetic location: 12q24.11.
Variant type: single nucleotide variant.
Coding change: c.331G>A on transcript NM_021625.5 (MANE Select); coding-DNA position 331, G replaced by A.
Protein change: p.Gly111Ser; replaces glycine 111 with serine.
Molecular consequence: missense variant.
Genome position (GRCh38, 1-based): chr12:109,814,466, C>T on the plus strand (G>A on the coding strand, the complement: TRPV4 is on the minus strand). VCF-style: chr12-109814466-C-T. GRCh37 (hg19) VCF-style: chr12-110252271-C-T.
Other names: c.331G>A, p.Gly111Ser (NM_001177428.2, NM_001177433.2, NM_147204.3); c.229G>A, p.Gly77Ser (NM_001177431.2); short protein forms G111S, G77S.
Identifiers: ClinVar variation 536861 (VCV000536861.10), dbSNP rs768721947, ClinGen allele CA6780578.